The following is an entry in ClinVar:

NR_033294.2(SNORD118):n.38G>A

Genes: SNORD118 (small nucleolar RNA, C/D box 118; minus strand), TMEM107 (transmembrane protein 107; minus strand). Cytogenetic location: 17p13.1.
Variant type: single nucleotide variant.
Molecular consequence: non-coding transcript variant (on NR_033294.2). On other transcripts: 3 prime UTR variant (5).
Genome position: GRCh38 VCF-style: chr17-8173551-C-T. GRCh37 (hg19) VCF-style: chr17-8076869-C-T.
Other names: c.*652G>A (NM_001351278.2, NM_001351279.2, NM_001351280.2 and 2 more transcripts).
Identifiers: ClinVar variation 1895761 (VCV001895761.4), dbSNP rs539261856, ClinGen allele CA8370763.

ClinVar aggregate classification (germline): Uncertain significance. Review status: criteria provided, multiple submitters, no conflicts (2 of 4 stars). 2 submissions from 2 submitters: Uncertain significance (2). Last evaluated 2025-12-11.

Conditions:
Leukoencephalopathy with calcifications and cysts. Also called: LABRUNE SYNDROME; Leukoencephalopathy, brain calcifications, and cysts. Identifiers: Orphanet 542310, MedGen C3281200, MONDO:0013803, OMIM 614561.

gnomAD v4.1: 52 of 765,024 alleles (0.0068%); highest among the groups gnomAD compares: Admixed American, 0.017%; no homozygotes.

Submissions (2):

Institute of Medical Genetics and Applied Genomics, University Hospital Tübingen
Classification: Uncertain significance for Leukoencephalopathy with calcifications and cysts. Last evaluated: 2025-12-11. Review status: criteria provided, single submitter. Criteria: ACMG Guidelines, 2015. Collection method: clinical testing. Allele origin: germline. Inheritance: Autosomal recessive inheritance. Affected: yes.

Labcorp Genetics (formerly Invitae), Labcorp
Classification: Uncertain significance. Last evaluated: 2022-08-22. Review status: criteria provided, single submitter. Criteria: Invitae Variant Classification Sherloc (09022015). Collection method: clinical testing. Allele origin: germline.
Comment: In summary, the available evidence is currently insufficient to determine the role of this variant in disease. Therefore, it has been classified as a Variant of Uncertain Significance. Experimental studies and prediction algorithms are not available or were not evaluated, and the functional significance of this variant is currently unknown. This variant has not been reported in the literature in individuals affected with SNORD118-related conditions. This variant is present in population databases (rs539261856, gnomAD 0.03%). This variant occurs in the SNORD118 gene, which encodes an RNA molecule that does not result in a protein product.